The following is an entry in ClinVar:

NM_012213.3(MLYCD):c.596G>A (p.Arg199Gln)

Gene: MLYCD (malonyl-CoA decarboxylase; plus strand). Cytogenetic location: 16q23.3.
Variant type: single nucleotide variant.
Coding change: c.596G>A on transcript NM_012213.3 (MANE Select); coding-DNA position 596, G replaced by A.
Protein change: p.Arg199Gln; replaces arginine 199 with glutamine.
Molecular consequence: missense variant.
Genome position (GRCh38, 1-based): chr16:83,907,054, G>A. VCF-style: chr16-83907054-G-A. GRCh37 (hg19) VCF-style: chr16-83940659-G-A.
Other names: c.596G>A (NM_012213.2); short protein forms R199Q.
Identifiers: ClinVar variation 1476670 (VCV001476670.6), dbSNP rs780910334, ClinGen allele CA8197290.
Genomic context (GRCh38, chr16:83,907,054, plus strand): 5'-ATGGGGTGCTGAAAGGAATGCTCTCAGAATGGTTTTCCTCCGGGTTCCTGAACCTAGAAC[G>A]GGTTACCTGGCATTCACCGTGTGAAGTGCTTCAGAAAATCAGTGAGTAAGTATTACGGTT-3'
Protein context (NP_036345.2, residues 189-209): WFSSGFLNLE[Arg199Gln]VTWHSPCEVL

ClinVar aggregate classification (germline): Uncertain significance. Review status: criteria provided, multiple submitters, no conflicts (2 of 4 stars). 2 submissions from 2 submitters: Uncertain significance (2). Last evaluated 2024-12-21.

Conditions:
Inborn genetic diseases. Identifiers: MedGen C0950123, MeSH D030342.
Deficiency of malonyl-CoA decarboxylase. Also called: Malonic aciduria; MCD deficiency. Identifiers: Orphanet 943, MedGen C0342793, MONDO:0009556, OMIM 248360.

Allele frequency attached by ClinVar (database versions not stated): gnomAD 0.00001; gnomAD exomes 0.00001 and 0.00004; ExAC 0.00002.
gnomAD v4.1: 12 of 1,614,074 alleles (0.00074%); highest among the groups gnomAD compares: Admixed American, 0.018%; no homozygotes.

Submissions (2):

Ambry Genetics
Classification: Uncertain significance for Inborn genetic diseases. Last evaluated: 2024-12-21. Review status: criteria provided, single submitter. Criteria: Ambry Variant Classification Scheme 2023. Collection method: clinical testing. Allele origin: germline.

Labcorp Genetics (formerly Invitae), Labcorp
Classification: Uncertain significance for Deficiency of malonyl-CoA decarboxylase. Last evaluated: 2021-09-02. Review status: criteria provided, single submitter. Criteria: Invitae Variant Classification Sherloc (09022015). Collection method: clinical testing. Allele origin: germline.
Comment: This sequence change replaces arginine with glutamine at codon 199 of the MLYCD protein (p.Arg199Gln). The arginine residue is highly conserved and there is a small physicochemical difference between arginine and glutamine. This variant is present in population databases (rs780910334, ExAC 0.03%). This variant has not been reported in the literature in individuals affected with MLYCD-related conditions. Algorithms developed to predict the effect of missense changes on protein structure and function (SIFT, PolyPhen-2, Align-GVGD) all suggest that this variant is likely to be disruptive. In summary, the available evidence is currently insufficient to determine the role of this variant in disease. Therefore, it has been classified as a Variant of Uncertain Significance.